The following is an entry in ClinVar:

NM_138694.4(PKHD1):c.10670C>G (p.Ser3557Ter)

Gene: PKHD1 (PKHD1 ciliary IPT domain containing fibrocystin/polyductin; minus strand). Cytogenetic location: 6p12.3.
Variant type: single nucleotide variant.
Coding change: c.10670C>G on transcript NM_138694.4 (MANE Select); coding-DNA position 10670, C replaced by G.
Protein change: p.Ser3557Ter; replaces serine 3557 with a stop codon.
Molecular consequence: nonsense.
Genome position (GRCh38, 1-based): chr6:51,659,456, G>C on the plus strand (C>G on the coding strand, the complement: PKHD1 is on the minus strand). VCF-style: chr6-51659456-G-C. GRCh37 (hg19) VCF-style: chr6-51524254-G-C.
Other names: short protein forms S3557*.
Identifiers: ClinVar variation 5016104 (VCV005016104.1).
Genomic context (GRCh38, chr6:51,659,456, plus strand): 5'-TCCCAGCCTTTTTCTAAGACTGAAACCATCACAGTGAGGGCCAAGTGAATGGAAACACCT[G>C]AGCGTATTTCAATGGGCTCCTCTCCTTGTAGGACAACATACAAGAGGTTATCCATGATGT-3'

ClinVar aggregate classification (germline): Pathogenic (1 of 4 stars; one submission).

Conditions:
Polycystic kidney disease 4 (PKD4). Also called: PKD3; Autosomal Recessive Polycystic Kidney Disease – PKHD1; POLYCYSTIC KIDNEY AND HEPATIC DISEASE 1; POLYCYSTIC KIDNEY DISEASE, INFANTILE, TYPE I; POLYCYSTIC KIDNEY DISEASE 4 WITH OR WITHOUT POLYCYSTIC LIVER DISEASE. Identifiers: MedGen C4540575, MONDO:0033004, OMIM 263200.

Submission:

Myriad Genetics, Inc.
Classification: Pathogenic for Polycystic kidney disease 4. Last evaluated: 2026-07-04. Review status: criteria provided, single submitter. Criteria: Myriad Autosomal Dominant, Autosomal Recessive and X-Linked Classification Criteria (2023). Collection method: clinical testing. Allele origin: unknown.
Comment: NM_138694.3(PKHD1):c.10670C>G(S3557*) is expected to be pathogenic in the context of autosomal recessive polycystic kidney disease, PKHD1-related. This variant is predicted to lead to an abnormal or absent protein product due to the creation of a premature termination codon in PKHD1, a gene where loss-of-function variants are known to be pathogenic. Please note: this variant was assessed in the context of healthy population screening.